The following is an entry in ClinVar:

NM_001271.4(CHD2):c.1874A>G (p.Asp625Gly)

Gene: CHD2 (chromodomain helicase DNA binding protein 2; plus strand). Cytogenetic location: 15q26.1.
Variant type: single nucleotide variant.
Coding change: c.1874A>G on transcript NM_001271.4 (MANE Select); coding-DNA position 1874, A replaced by G.
Protein change: p.Asp625Gly; replaces aspartic acid 625 with glycine.
Molecular consequence: missense variant.
Genome position (GRCh38, 1-based): chr15:92,956,523, A>G. VCF-style: chr15-92956523-A-G. GRCh37 (hg19) VCF-style: chr15-93499753-A-G.
Other names: short protein forms D625G.
Identifiers: ClinVar variation 1468361 (VCV001468361.6), dbSNP rs2141816546, ClinGen allele CA393906290.

ClinVar aggregate classification (germline): Uncertain significance (1 of 4 stars; one submission).

Conditions:
Developmental and epileptic encephalopathy 94 (DEE94). Also called: Epileptic encephalopathy, childhood-onset; CHD2-Related Neurodevelopmental Disorders. Identifiers: Orphanet 1942, Orphanet 2382, MedGen C3809278, MONDO:0014150, OMIM 615369.

Submission:

Labcorp Genetics (formerly Invitae), Labcorp
Classification: Uncertain significance for Developmental and epileptic encephalopathy 94. Last evaluated: 2022-05-27. Review status: criteria provided, single submitter. Criteria: Invitae Variant Classification Sherloc (09022015). Collection method: clinical testing. Allele origin: germline.
Comment: In summary, the available evidence is currently insufficient to determine the role of this variant in disease. Therefore, it has been classified as a Variant of Uncertain Significance. Algorithms developed to predict the effect of sequence changes on RNA splicing suggest that this variant may create or strengthen a splice site. Advanced modeling of protein sequence and biophysical properties (such as structural, functional, and spatial information, amino acid conservation, physicochemical variation, residue mobility, and thermodynamic stability) performed at Invitae indicates that this missense variant is not expected to disrupt CHD2 protein function. This variant has not been reported in the literature in individuals affected with CHD2-related conditions. This variant is not present in population databases (gnomAD no frequency). This sequence change replaces aspartic acid, which is acidic and polar, with glycine, which is neutral and non-polar, at codon 625 of the CHD2 protein (p.Asp625Gly).